The following is an entry in ClinVar:

NM_007294.4(BRCA1):c.1106A>G (p.Asp369Gly)

Gene: BRCA1 (BRCA1 DNA repair associated; minus strand). Cytogenetic location: 17q21.31.
Variant type: single nucleotide variant.
Coding change: c.1106A>G on transcript NM_007294.4 (MANE Select); coding-DNA position 1106, A replaced by G.
Protein change: p.Asp369Gly; replaces aspartic acid 369 with glycine.
Molecular consequence: missense variant. On other transcripts: intron variant (137).
Genome position (GRCh38, 1-based): chr17:43,094,425, T>C on the plus strand (A>G on the coding strand, the complement: BRCA1 is on the minus strand). VCF-style: chr17-43094425-T-C. GRCh37 (hg19) VCF-style: chr17-41246442-T-C.
Other names: c.965A>G, p.Asp322Gly (NM_007297.4, NM_001407692.1, NM_001407694.1 and 29 more transcripts); c.1106A>G, p.Asp369Gly (NM_007300.4, NM_001407581.1, NM_001407582.1 and 30 more transcripts); c.646+319A>G (NM_001408458.1, NM_001408469.1, NM_001408453.1 and 11 more transcripts); c.283+319A>G (NM_001408512.1); c.406+319A>G (NM_001408510.1); c.643+319A>G (NM_001408470.1, NM_001408464.1, NM_001408468.1 and 3 more transcripts); c.784+319A>G (NM_001408397.1, NM_001408401.1, NM_001408396.1 and 13 more transcripts); c.664+319A>G (NM_001408436.1, NM_001408444.1, NM_001408438.1 and 12 more transcripts); and 40 more; short protein forms D369G, D322G, D201G, D241G, D281G, D298G, D73G, D301G.
Identifiers: ClinVar variation 54129 (VCV000054129.13), dbSNP rs80357416, ClinGen allele CA000740.

ClinVar aggregate classification (germline): Conflicting classifications of pathogenicity. Review status: criteria provided, conflicting classifications (1 of 4 stars). 5 submissions from 5 submitters: Uncertain significance (2); Likely benign (2). 1 of the submissions does not count toward it. Last evaluated 2026-06-30.

Conditions:
Hereditary cancer-predisposing syndrome. Also called: Tumor predisposition; Neoplastic Syndromes, Hereditary; Hereditary Cancer Syndrome; Hereditary neoplastic syndrome. Identifiers: Orphanet 140162, MedGen C0027672, MeSH D009386, MONDO:0015356.
Hereditary breast ovarian cancer syndrome. Also called: Hereditary breast and ovarian cancer syndrome (HBOC); Hereditary breast and ovarian cancer syndrome; Hereditary breast and ovarian cancer; Hereditary breast and/or ovarian cancer syndrome; Breast and ovarian cancer; BRCA1- and BRCA2-Associated Hereditary Breast and Ovarian Cancer. Identifiers: Orphanet 145, MedGen C0677776, MeSH D061325, MONDO:0003582. Disease mechanism: loss of function.
Breast-ovarian cancer, familial, susceptibility to, 1 (BROVCA1). Also called: OVARIAN CANCER, SUSCEPTIBILITY TO; BRCA1 Hereditary Breast and Ovarian Cancer. Identifiers: Orphanet 145, MedGen C2676676, MONDO:0011450, OMIM 604370. Disease mechanism: loss of function.

Submissions (5):

Myriad Genetics, Inc.
Classification: Likely benign for Breast-ovarian cancer, familial, susceptibility to, 1. Last evaluated: 2026-06-30. Review status: criteria provided, single submitter. Criteria: Myriad Autosomal Dominant, Autosomal Recessive and X-Linked Classification Criteria (2023). Collection method: clinical testing. Allele origin: unknown.
Comment: This variant is considered likely benign. This variant been observed in trans with a known pathogenic variant in one or more individuals. Compound heterozygosity for pathogenic variants in this gene is generally assumed to result in embryonic lethality.

Ambry Genetics
Classification: Uncertain significance for Hereditary cancer-predisposing syndrome. Last evaluated: 2023-11-14. Review status: criteria provided, single submitter. Criteria: Ambry Variant Classification Scheme 2023. Collection method: clinical testing. Allele origin: germline.
Comment: The p.D369G variant (also known as c.1106A>G), located in coding exon 9 of the BRCA1 gene, results from an A to G substitution at nucleotide position 1106. The aspartic acid at codon 369 is replaced by glycine, an amino acid with similar properties. This amino acid position is well conserved in available vertebrate species. In addition, the in silico prediction for this alteration is inconclusive. Since supporting evidence is limited at this time, the clinical significance of this alteration remains unclear.

Labcorp Genetics (formerly Invitae), Labcorp
Classification: Uncertain significance for Hereditary breast ovarian cancer syndrome. Last evaluated: 2023-10-26. Review status: criteria provided, single submitter. Criteria: Invitae Variant Classification Sherloc (09022015). Collection method: clinical testing. Allele origin: germline.
Comment: This sequence change replaces aspartic acid, which is acidic and polar, with glycine, which is neutral and non-polar, at codon 369 of the BRCA1 protein (p.Asp369Gly). This variant is not present in population databases (gnomAD no frequency). This variant has not been reported in the literature in individuals affected with BRCA1-related conditions. ClinVar contains an entry for this variant (Variation ID: 54129). Advanced modeling of protein sequence and biophysical properties (such as structural, functional, and spatial information, amino acid conservation, physicochemical variation, residue mobility, and thermodynamic stability) performed at Invitae indicates that this missense variant is not expected to disrupt BRCA1 protein function with a negative predictive value of 95%. In summary, the available evidence is currently insufficient to determine the role of this variant in disease. Therefore, it has been classified as a Variant of Uncertain Significance.

University of Washington Department of Laboratory Medicine, University of Washington
Classification: Likely benign for Hereditary cancer-predisposing syndrome. Last evaluated: 2023-03-23. Review status: criteria provided, single submitter. Criteria: Dines et al. (Genet Med. 2020). Collection method: curation. Allele origin: germline.
Comment: Missense variant in a coldspot region where missense variants are very unlikely to be pathogenic (PMID:31911673).

BRCA1 coldspot (exon 11 using historical exon numbering). Reclassification based on statistical prior probability

Breast Cancer Information Core (BIC) (BRCA1)
Classification: Uncertain significance for Breast-ovarian cancer, familial 1. Last evaluated: 2004-11-25. Review status: no assertion criteria provided. Collection method: clinical testing. Allele origin: germline. Affected: yes. Observed: 1 variant allele. Not counted in ClinVar's aggregate classification.